The following is an entry in ClinVar:

NM_145068.4(TRPV3):c.625A>G (p.Thr209Ala)

Gene: TRPV3 (transient receptor potential cation channel subfamily V member 3; minus strand). Cytogenetic location: 17p13.2.
Variant type: single nucleotide variant.
Coding change: c.625A>G on transcript NM_145068.4 (MANE Select); coding-DNA position 625, A replaced by G.
Protein change: p.Thr209Ala; replaces threonine 209 with alanine.
Molecular consequence: missense variant.
Genome position (GRCh38, 1-based): chr17:3,542,540, T>C on the plus strand (A>G on the coding strand, the complement: TRPV3 is on the minus strand). VCF-style: chr17-3542540-T-C. GRCh37 (hg19) VCF-style: chr17-3445834-T-C.
Other names: c.625A>G, p.Thr209Ala (NM_001258205.2); short protein forms T209A.
Identifiers: ClinVar variation 2991802 (VCV002991802.3), dbSNP rs2543731764, ClinGen allele CA397688167.

ClinVar aggregate classification (germline): Uncertain significance (1 of 4 stars; one submission).

gnomAD v4.1: 2 of 1,613,910 alleles (0.00012%); highest among the groups gnomAD compares: East Asian, 0.0022%; no homozygotes.

Submission:

Labcorp Genetics (formerly Invitae), Labcorp
Classification: Uncertain significance. Last evaluated: 2023-01-16. Review status: criteria provided, single submitter. Criteria: Invitae Variant Classification Sherloc (09022015). Collection method: clinical testing. Allele origin: germline.
Comment: In summary, the available evidence is currently insufficient to determine the role of this variant in disease. Therefore, it has been classified as a Variant of Uncertain Significance. Algorithms developed to predict the effect of missense changes on protein structure and function are either unavailable or do not agree on the potential impact of this missense change (SIFT: "Tolerated"; PolyPhen-2: "Probably Damaging"; Align-GVGD: "Class C0"). This variant has not been reported in the literature in individuals affected with TRPV3-related conditions. This variant is not present in population databases (gnomAD no frequency). This sequence change replaces threonine, which is neutral and polar, with alanine, which is neutral and non-polar, at codon 209 of the TRPV3 protein (p.Thr209Ala).